The following is an entry in ClinVar:

ClinVar aggregate classification (germline): Uncertain significance (1 of 4 stars; one submission).

Conditions:
Inborn genetic diseases. Identifiers: MedGen C0950123, MeSH D030342.

Submission:

Ambry Genetics
Classification: Uncertain significance for Inborn genetic diseases. Last evaluated: 2022-05-09. Review status: criteria provided, single submitter. Criteria: Ambry Variant Classification Scheme 2023. Collection method: clinical testing. Allele origin: germline.
Comment: The p.E97G variant (also known as c.290A>G), located in coding exon 4 of the AKT1 gene, results from an A to G substitution at nucleotide position 290. The glutamic acid at codon 97 is replaced by glycine, an amino acid with similar properties. This amino acid position is conserved. In addition, the in silico prediction for this alteration is inconclusive. Since supporting evidence is limited at this time, the clinical significance of this alteration remains unclear.

NM_001382430.1(AKT1):c.290A>G (p.Glu97Gly)

Gene: AKT1 (AKT serine/threonine kinase 1; minus strand). Cytogenetic location: 14q32.33.
Variant type: single nucleotide variant.
Coding change: c.290A>G on transcript NM_001382430.1 (MANE Select); coding-DNA position 290, A replaced by G.
Protein change: p.Glu97Gly; replaces glutamic acid 97 with glycine.
Molecular consequence: missense variant.
Genome position (GRCh38, 1-based): chr14:104,775,797, T>C on the plus strand (A>G on the coding strand, the complement: AKT1 is on the minus strand). VCF-style: chr14-104775797-T-C. GRCh37 (hg19) VCF-style: chr14-105242134-T-C.
Other names: c.290A>G, p.Glu97Gly (NM_001014431.2, NM_001014432.2, NM_001382431.1 and 3 more transcripts); short protein forms E97G.
Identifiers: ClinVar variation 1797557 (VCV001797557.2), dbSNP rs2542150202, ClinGen allele CA391220520.
Genomic context (GRCh38, chr14:104,775,797, plus strand): 5'-TCCTCCTCCTCCTGCTTCTTGAGGCCGTCAGCCACAGTCTGGATGGCGGTTGTCCACTCC[T>C]CCCTGCAGGAGGTCAGGTGAGGCTGCAGGCCTGTACCAGATCAGGAGCTCCACCCCACGT-3'
Protein context (NP_001369359.1, residues 87-107): TFHVETPEER[Glu97Gly]EWTTAIQTVA